The following is an entry in ClinVar:

ClinVar aggregate classification (germline): Uncertain significance (1 of 4 stars; one submission).

Submission:

Greenwood Genetic Center Diagnostic Laboratories, Greenwood Genetic Center
Classification: Uncertain significance. Last evaluated: 2024-07-08. Review status: criteria provided, single submitter. Criteria: ACMG Guidelines, 2015. Collection method: clinical testing. Allele origin: germline. Affected: yes.
Comment: PM2, PP2

NM_018489.3(ASH1L):c.3729T>G (p.Ser1243Arg)

Gene: ASH1L (ASH1 like histone lysine methyltransferase; minus strand). Cytogenetic location: 1q22.
Variant type: single nucleotide variant.
Coding change: c.3729T>G on transcript NM_018489.3 (MANE Select); coding-DNA position 3729, T replaced by G.
Protein change: p.Ser1243Arg; replaces serine 1243 with arginine.
Molecular consequence: missense variant.
Genome position (GRCh38, 1-based): chr1:155,479,141, A>C on the plus strand (T>G on the coding strand, the complement: ASH1L is on the minus strand). VCF-style: chr1-155479141-A-C. GRCh37 (hg19) VCF-style: chr1-155448932-A-C.
Other names: c.3729T>G, p.Ser1243Arg (NM_001366177.2); short protein forms S1243R.
Identifiers: ClinVar variation 3765632 (VCV003765632.1).